The following is an entry in ClinVar:

NM_022124.6(CDH23):c.1616del (p.Gly539fs)

Gene: CDH23 (cadherin related 23; plus strand). Cytogenetic location: 10q22.1.
Variant type: Deletion.
Coding change: c.1616del on transcript NM_022124.6 (MANE Select); coding-DNA position 1616, one base deleted (G; older notation c.1616delG).
Protein change: p.Gly539fs; shifts the reading frame from glycine 539.
Molecular consequence: frameshift variant.
Genome position (GRCh38, 1-based): chr10:71,677,557, G deleted; the last of 5 consecutive G bases (chr10:71,677,553-71,677,557); deleting any one gives the same sequence. VCF-style (leftmost placement, unchanged base first): chr10-71677552-CG-C. GRCh37 (hg19) VCF-style: chr10-73437309-CG-C.
Other names: c.1616del, p.Gly539fs (NM_001171930.2, NM_001171931.2); short protein forms G539fs.
Identifiers: ClinVar variation 2068121 (VCV002068121.4), dbSNP rs2493938246, ClinGen allele CA2580081820.

ClinVar aggregate classification (germline): Pathogenic (1 of 4 stars; one submission).

Submission:

Labcorp Genetics (formerly Invitae), Labcorp
Classification: Pathogenic. Last evaluated: 2022-01-01. Review status: criteria provided, single submitter. Criteria: Invitae Variant Classification Sherloc (09022015). Collection method: clinical testing. Allele origin: germline.
Comment: For these reasons, this variant has been classified as Pathogenic. This variant has not been reported in the literature in individuals affected with CDH23-related conditions. This variant is not present in population databases (gnomAD no frequency). This sequence change creates a premature translational stop signal (p.Gly539Alafs*82) in the CDH23 gene. It is expected to result in an absent or disrupted protein product. Loss-of-function variants in CDH23 are known to be pathogenic (PMID: 11138009, 21940737).

Literature cited by the submitters: PubMed 11138009; PubMed 21940737.